The following is an entry in ClinVar:

NM_003896.4(ST3GAL5):c.206+78G>A

Gene: ST3GAL5 (ST3 beta-galactoside alpha-2,3-sialyltransferase 5; minus strand). Cytogenetic location: 2p11.2.
Variant type: single nucleotide variant.
Coding change: c.206+78G>A on transcript NM_003896.4 (MANE Select); 78 bases into the intron after coding-DNA position 206, G replaced by A.
Molecular consequence: intron variant.
Genome position (GRCh38, 1-based): chr2:85,863,284, C>T on the plus strand (G>A on the coding strand, the complement: ST3GAL5 is on the minus strand). VCF-style: chr2-85863284-C-T. GRCh37 (hg19) VCF-style: chr2-86090407-C-T.
Other names: c.-356+78G>A (NM_001354226.2, NM_001354223.2); c.-796+78G>A (NM_001354233.2); c.-419+78G>A (NM_001354224.2); c.122+78G>A (NM_001354227.2, NM_001354229.2, NM_001354238.1); c.137+78G>A (NM_001042437.2); c.206+78G>A (NM_001363847.1); c.-760+78G>A (NM_001354234.1).
Identifiers: ClinVar variation 4891174 (VCV004891174.1).

ClinVar aggregate classification (germline): Uncertain significance (1 of 4 stars; one submission).

Submission:

Greenwood Genetic Center Diagnostic Laboratories, Greenwood Genetic Center
Classification: Uncertain significance. Last evaluated: 2026-06-23. Review status: criteria provided, single submitter. Criteria: ACMG Guidelines, 2015. Collection method: clinical testing. Allele origin: germline.
Comment: PM2, BP4